The following is an entry in ClinVar:

NM_001103.4(ACTN2):c.1876C>A (p.Gln626Lys)

Gene: ACTN2 (actinin alpha 2; plus strand). Cytogenetic location: 1q43.
Variant type: single nucleotide variant.
Coding change: c.1876C>A on transcript NM_001103.4 (MANE Select); coding-DNA position 1876, C replaced by A.
Protein change: p.Gln626Lys; replaces glutamine 626 with lysine.
Molecular consequence: missense variant. On other transcripts: non-coding transcript variant (1).
Genome position (GRCh38, 1-based): chr1:236,753,983, C>A. VCF-style: chr1-236753983-C-A. GRCh37 (hg19) VCF-style: chr1-236917283-C-A.
Other names: c.1876C>A, p.Gln626Lys (NM_001278343.2); short protein forms Q626K.
Identifiers: ClinVar variation 3760578 (VCV003760578.2).

ClinVar aggregate classification (germline): Uncertain significance (1 of 4 stars; one submission).

Conditions:
Dilated cardiomyopathy 1AA (CMD1AA). Also called: Cardiomyopathy, dilated, 1AA, with or without LVNC; CARDIOMYOPATHY, DILATED, 1AA, WITH OR WITHOUT LEFT VENTRICULAR NONCOMPACTION; CARDIOMYOPATHY, FAMILIAL HYPERTROPHIC, 23, WITH OR WITHOUT LEFT VENTRICULAR NONCOMPACTION. Identifiers: Orphanet 154, MedGen C2677338, MONDO:0012808, OMIM 612158.
Primary familial hypertrophic cardiomyopathy (HCM). Identifiers: Orphanet 99739, MedGen C0949658, MeSH D024741, MONDO:0024573. Inheritance: Various modes of inheritance.

gnomAD v4.1: 4 of 1,614,186 alleles (0.00025%); highest among the groups gnomAD compares: South Asian, 0.0033%; no homozygotes.

Submission:

Labcorp Genetics (formerly Invitae), Labcorp
Classification: Uncertain significance for Primary familial hypertrophic cardiomyopathy; Dilated cardiomyopathy 1AA. Last evaluated: 2024-08-06. Review status: criteria provided, single submitter. Criteria: Invitae Variant Classification Sherloc (09022015). Collection method: clinical testing. Allele origin: germline.
Comment: This sequence change replaces glutamine, which is neutral and polar, with lysine, which is basic and polar, at codon 626 of the ACTN2 protein (p.Gln626Lys). This variant is not present in population databases (gnomAD no frequency). This variant has not been reported in the literature in individuals affected with ACTN2-related conditions. Advanced modeling of protein sequence and biophysical properties (such as structural, functional, and spatial information, amino acid conservation, physicochemical variation, residue mobility, and thermodynamic stability) performed at Invitae indicates that this missense variant is not expected to disrupt ACTN2 protein function with a negative predictive value of 80%. In summary, the available evidence is currently insufficient to determine the role of this variant in disease. Therefore, it has been classified as a Variant of Uncertain Significance.